The following is an entry in ClinVar:

NM_000147.5(FUCA1):c.518G>A (p.Arg173Gln)

Genes: FUCA1 (alpha-L-fucosidase 1; minus strand), LOC126805661 (BRD4-independent group 4 enhancer GRCh37_chr1:24191742-24192941; plus strand). Cytogenetic location: 1p36.11.
Variant type: single nucleotide variant.
Coding change: c.518G>A on transcript NM_000147.5 (MANE Select); coding-DNA position 518, G replaced by A.
Protein change: p.Arg173Gln; replaces arginine 173 with glutamine.
Molecular consequence: missense variant.
Genome position (GRCh38, 1-based): chr1:23,865,497, C>T on the plus strand (G>A on the coding strand, the complement: FUCA1 is on the minus strand). VCF-style: chr1-23865497-C-T. GRCh37 (hg19) VCF-style: chr1-24191987-C-T.
Other names: c.518G>A (NM_000147.4); short protein forms R173Q.
Identifiers: ClinVar variation 1384812 (VCV001384812.6), dbSNP rs148194937, ClinGen allele CA686527.

ClinVar aggregate classification (germline): Uncertain significance. Review status: criteria provided, multiple submitters, no conflicts (2 of 4 stars). 2 submissions from 2 submitters: Uncertain significance (2). Last evaluated 2025-03-26.

Conditions:
Inborn genetic diseases. Identifiers: MedGen C0950123, MeSH D030342.
Fucosidosis. Also called: ALPHA-L-FUCOSIDASE DEFICIENCY. Identifiers: Orphanet 349, MedGen C0016788, MONDO:0009254, OMIM 230000.

Allele frequency attached by ClinVar (database versions not stated): gnomAD exomes 0.00006 and 0.00003; gnomAD 0.00001; TOPMed 0.00004; ExAC 0.00007; ESP Exome Variant Server 0.00008.
gnomAD v4.1: 49 of 1,614,078 alleles (0.003%); highest among the groups gnomAD compares: East Asian, 0.031%; no homozygotes.

Submissions (2):

Ambry Genetics
Classification: Uncertain significance for Inborn genetic diseases. Last evaluated: 2025-03-26. Review status: criteria provided, single submitter. Criteria: Ambry Variant Classification Scheme 2023. Collection method: clinical testing. Allele origin: germline.

Labcorp Genetics (formerly Invitae), Labcorp
Classification: Uncertain significance for Fucosidosis. Last evaluated: 2022-08-08. Review status: criteria provided, single submitter. Criteria: Invitae Variant Classification Sherloc (09022015). Collection method: clinical testing. Allele origin: germline.
Comment: This sequence change replaces arginine, which is basic and polar, with glutamine, which is neutral and polar, at codon 173 of the FUCA1 protein (p.Arg173Gln). This variant is present in population databases (rs148194937, gnomAD 0.03%). This variant has not been reported in the literature in individuals affected with FUCA1-related conditions. ClinVar contains an entry for this variant (Variation ID: 1384812). Algorithms developed to predict the effect of missense changes on protein structure and function output the following: SIFT: "Tolerated"; PolyPhen-2: "Benign"; Align-GVGD: "Class C0". The glutamine amino acid residue is found in multiple mammalian species, which suggests that this missense change does not adversely affect protein function. In summary, the available evidence is currently insufficient to determine the role of this variant in disease. Therefore, it has been classified as a Variant of Uncertain Significance.